The following is an entry in ClinVar:

ClinVar aggregate classification (germline): Benign (1 of 4 stars; one submission).

Allele frequency attached by ClinVar (database versions not stated): gnomAD exomes 0.27737; gnomAD 0.34609 and 0.34810; TOPMed 0.35270; 1000 Genomes Project 0.38698; 1000 Genomes Project 30x 0.39210.
gnomAD v4.1: 224,930 of 772,518 alleles (29%); highest among the groups gnomAD compares: African/African-American, 54%; 35,489 homozygotes.

Submission:

GeneDx
Classification: Benign. Last evaluated: 2018-06-16. Review status: criteria provided, single submitter. Criteria: GeneDx Variant Classification (06012015). Collection method: clinical testing. Allele origin: germline. Affected: yes.
Comment: This variant is considered likely benign or benign based on one or more of the following criteria: it is a conservative change, it occurs at a poorly conserved position in the protein, it is predicted to be benign by multiple in silico algorithms, and/or has population frequency not consistent with disease.

NM_000426.4(LAMA2):c.7749+132A>T

Gene: LAMA2 (laminin subunit alpha 2; plus strand). Cytogenetic location: 6q22.33.
Variant type: single nucleotide variant.
Coding change: c.7749+132A>T on transcript NM_000426.4 (MANE Select); 132 bases into the intron after coding-DNA position 7749, A replaced by T.
Molecular consequence: intron variant.
Genome position (GRCh38, 1-based): chr6:129,481,571, A>T. VCF-style: chr6-129481571-A-T. GRCh37 (hg19) VCF-style: chr6-129802716-A-T.
Other names: c.7737+132A>T (NM_001079823.2).
Identifiers: ClinVar variation 682940 (VCV000682940.1), dbSNP rs2571581, ClinGen allele CA12207994.